The following is an entry in ClinVar:

ClinVar aggregate classification (germline): Uncertain significance (1 of 4 stars; one submission).

Conditions:
FG syndrome (FGS). Identifiers: MedGen C0220769, MONDO:0002010.

Submission:

Labcorp Genetics (formerly Invitae), Labcorp
Classification: Uncertain significance for FG syndrome. Last evaluated: 2025-12-09. Review status: criteria provided, single submitter. Criteria: Invitae Variant Classification Sherloc (09022015). Collection method: clinical testing. Allele origin: germline.
Comment: This sequence change falls in intron 31 of the MED12 gene. It does not directly change the encoded amino acid sequence of the MED12 protein. The frequency data for this variant in the population databases is considered unreliable, as metrics indicate poor data quality at this position in the gnomAD database. This variant has not been reported in the literature in individuals affected with MED12-related conditions. ClinVar contains an entry for this variant (Variation ID: 3605986). Experimental studies and prediction algorithms are not available or were not evaluated, and the effect of this variant on mRNA splicing is currently unknown. In summary, the available evidence is currently insufficient to determine the role of this variant in disease. Therefore, it has been classified as a Variant of Uncertain Significance.

NM_005120.3(MED12):c.4416-38_4416-14del

Gene: MED12 (mediator complex subunit 12; plus strand). Cytogenetic location: Xq13.1.
Variant type: Deletion.
Coding change: c.4416-38_4416-14del on transcript NM_005120.3 (MANE Select); 38 bases into the intron before coding-DNA position 4416 through 14 bases into the intron before coding-DNA position 4416, 25 bases deleted (TCTCTTCTCTTCTCTTCTCTTCTTT).
Molecular consequence: intron variant.
Genome position (GRCh38, 1-based): chrX:71,132,807-71,132,831, TCTCTTCTCTTCTCTTCTCTTCTTT deleted; deleting any 25 consecutive bases within chrX:71,132,806-71,132,831 gives the same sequence; the c. name uses the placement nearest the transcript's 3' end. VCF-style (leftmost placement, unchanged base first): chrX-71132805-CTTCTCTTCTCTTCTCTTCTCTTCTT-C. GRCh37 (hg19) VCF-style: chrX-70352655-CTTCTCTTCTCTTCTCTTCTCTTCTT-C.
Identifiers: ClinVar variation 3605986 (VCV003605986.2).